The following is an entry in ClinVar:

ClinVar aggregate classification (germline): Conflicting classifications of pathogenicity. Review status: criteria provided, conflicting classifications (1 of 4 stars). 2 submissions from 2 submitters: Uncertain significance (1); Likely benign (1). Last evaluated 2022-03-23.

Conditions:
Autosomal recessive limb-girdle muscular dystrophy type 2K. Also called: MUSCULAR DYSTROPHY, LIMB-GIRDLE, TYPE 2K; MUSCULAR DYSTROPHY-DYSTROGLYCANOPATHY (LIMB-GIRDLE), TYPE C, 1. Identifiers: Orphanet 86812, MedGen C1836373, MONDO:0012248, OMIM 609308.
Walker-Warburg congenital muscular dystrophy. Also called: Muscular dystrophy-dystroglycanopathy, type A; Walker-Warburg syndrome. Identifiers: Orphanet 899, MedGen C0265221, MONDO:0000171.
Muscular dystrophy-dystroglycanopathy (congenital with impaired intellectual development), type B, 1. Also called: Muscular dystrophy-dystroglycanopathy (congenital with intellectual disability), type B1; MUSCULAR DYSTROPHY, CONGENITAL, POMT1-RELATED. Identifiers: MedGen C5436962, MONDO:0013159, OMIM 613155.

Allele frequency attached by ClinVar (database versions not stated): gnomAD exomes 0.00001 and 0.00003; gnomAD 0.00011 and 0.00010; ExAC 0.00002; ESP Exome Variant Server 0.00008; TOPMed 0.00009.

Submissions (2):

Labcorp Genetics (formerly Invitae), Labcorp
Classification: Uncertain significance for Muscular dystrophy-dystroglycanopathy (congenital with impaired intellectual development), type B, 1; Walker-Warburg congenital muscular dystrophy; Autosomal recessive limb-girdle muscular dystrophy type 2K. Last evaluated: 2022-03-23. Review status: criteria provided, single submitter. Criteria: Invitae Variant Classification Sherloc (09022015). Collection method: clinical testing. Allele origin: germline.
Comment: This sequence change falls in intron 4 of the POMT1 gene. It does not directly change the encoded amino acid sequence of the POMT1 protein. This variant is present in population databases (rs367743923, gnomAD 0.04%). This variant has not been reported in the literature in individuals affected with POMT1-related conditions. ClinVar contains an entry for this variant (Variation ID: 391225). Algorithms developed to predict the effect of sequence changes on RNA splicing suggest that this variant may disrupt the consensus splice site. In summary, the available evidence is currently insufficient to determine the role of this variant in disease. Therefore, it has been classified as a Variant of Uncertain Significance.

GeneDx
Classification: Likely benign. Last evaluated: 2016-12-01. Review status: criteria provided, single submitter. Criteria: GeneDx Variant Classification (06012015). Collection method: clinical testing. Allele origin: germline. Affected: yes.
Comment: This variant is considered likely benign or benign based on one or more of the following criteria: it is a conservative change, it occurs at a poorly conserved position in the protein, it is predicted to be benign by multiple in silico algorithms, and/or has population frequency not consistent with disease.

NM_001077365.2(POMT1):c.281-5T>C

Gene: POMT1 (protein O-mannosyltransferase 1; plus strand). Cytogenetic location: 9q34.13.
Variant type: single nucleotide variant.
Coding change: c.281-5T>C on transcript NM_001077365.2 (MANE Select); 5 bases into the intron before coding-DNA position 281, T replaced by C.
Molecular consequence: intron variant. On other transcripts: synonymous variant (1).
Genome position (GRCh38, 1-based): chr9:131,507,363, T>C. VCF-style: chr9-131507363-T-C. GRCh37 (hg19) VCF-style: chr9-134382750-T-C.
Other names: c.186T>C, p.Phe62= (NM_001353196.2); c.119-5T>C (NM_001353198.2, NM_001353194.2, NM_001374689.1 and 3 more transcripts); c.281-5T>C (NM_001353193.2, NM_001136113.2, NM_007171.4 and 1 more transcripts); c.-71-5T>C (NM_001374691.1, NM_001353195.2, NM_001374692.1 and 2 more transcripts); c.-29-1548T>C (NM_001374695.1); c.-30+910T>C (NM_001353200.2).
Identifiers: ClinVar variation 391225 (VCV000391225.4), dbSNP rs367743923, ClinGen allele CA5293225.